The following is an entry in ClinVar:

NM_004304.5(ALK):c.4073+6A>C

Gene: ALK (ALK receptor tyrosine kinase; minus strand). Cytogenetic location: 2p23.2.
Variant type: single nucleotide variant.
Coding change: c.4073+6A>C on transcript NM_004304.5 (MANE Select); 6 bases into the intron after coding-DNA position 4073, A replaced by C.
Molecular consequence: intron variant.
Genome position (GRCh38, 1-based): chr2:29,197,536, T>G on the plus strand (A>C on the coding strand, the complement: ALK is on the minus strand). VCF-style: chr2-29197536-T-G. GRCh37 (hg19) VCF-style: chr2-29420402-T-G.
Other names: c.869+6A>C (NM_001353765.2).
Identifiers: ClinVar variation 839863 (VCV000839863.7), dbSNP rs1404039400, ClinGen allele CA531464582.

ClinVar aggregate classification (germline): Uncertain significance (1 of 4 stars; one submission).

Conditions:
Neuroblastoma, susceptibility to, 3. Also called: ALK-Related Neuroblastic Tumor Susceptibility. Identifiers: Orphanet 635, MedGen C2751681, MONDO:0013083, OMIM 613014.

Allele frequency attached by ClinVar (database versions not stated): gnomAD exomes below 0.00001; TOPMed below 0.00001; gnomAD 0.00001.
gnomAD v4.1: 5 of 1,613,138 alleles (0.00031%); highest among the groups gnomAD compares: Non-Finnish European, 0.00042%; no homozygotes.

Submission:

Labcorp Genetics (formerly Invitae), Labcorp
Classification: Uncertain significance for Neuroblastoma, susceptibility to, 3. Last evaluated: 2025-11-04. Review status: criteria provided, single submitter. Criteria: Invitae Variant Classification Sherloc (09022015). Collection method: clinical testing. Allele origin: germline.
Comment: This sequence change falls in intron 27 of the ALK gene. It does not directly change the encoded amino acid sequence of the ALK protein. It affects a nucleotide within the consensus splice site. This variant is present in population databases (no rsID available, gnomAD 0.002%). This variant has not been reported in the literature in individuals affected with ALK-related conditions. ClinVar contains an entry for this variant (Variation ID: 839863). Variants that disrupt the consensus splice site are a relatively common cause of aberrant splicing (PMID: 17576681, 9536098). Algorithms developed to predict the effect of sequence changes on RNA splicing suggest that this variant is not likely to affect RNA splicing. In summary, the available evidence is currently insufficient to determine the role of this variant in disease. Therefore, it has been classified as a Variant of Uncertain Significance.

Literature cited by the submitters: PubMed 17576681; PubMed 9536098.